The following is an entry in ClinVar:

ClinVar aggregate classification (germline): Uncertain significance. Review status: criteria provided, multiple submitters, no conflicts (2 of 4 stars). 2 submissions from 2 submitters: Uncertain significance (2). Last evaluated 2025-11-22.

Conditions:
Hereditary cancer-predisposing syndrome. Also called: Hereditary neoplastic syndrome; Neoplastic Syndromes, Hereditary; Tumor predisposition; Hereditary Cancer Syndrome. Identifiers: Orphanet 140162, MedGen C0027672, MeSH D009386, MONDO:0015356.
Fanconi anemia complementation group J. Also called: BRIP1-Related Fanconi Anemia. Identifiers: Orphanet 84, MedGen C1836860, MONDO:0012187, OMIM 609054.
Familial cancer of breast. Also called: BREAST CANCER, FAMILIAL; hereditary breast carcinoma; Hereditary breast cancer. Identifiers: Orphanet 227535, MedGen C0346153, MONDO:0016419, OMIM 114480. Disease mechanism: loss of function.

Allele frequency attached by ClinVar (database versions not stated): gnomAD exomes below 0.00001.
gnomAD v4.1: 2 of 1,613,422 alleles (0.00012%); highest among the groups gnomAD compares: Non-Finnish European, 0.000085%; no homozygotes.

Submissions (2):

Labcorp Genetics (formerly Invitae), Labcorp
Classification: Uncertain significance for Familial cancer of breast; Fanconi anemia complementation group J. Last evaluated: 2025-11-22. Review status: criteria provided, single submitter. Criteria: Invitae Variant Classification Sherloc (09022015). Collection method: clinical testing. Allele origin: germline.
Comment: This sequence change replaces asparagine, which is neutral and polar, with serine, which is neutral and polar, at codon 151 of the BRIP1 protein (p.Asn151Ser). This variant is not present in population databases (gnomAD no frequency). This variant has not been reported in the literature in individuals affected with BRIP1-related conditions. ClinVar contains an entry for this variant (Variation ID: 461170). Invitae Evidence Modeling of protein sequence and biophysical properties (such as structural, functional, and spatial information, amino acid conservation, physicochemical variation, residue mobility, and thermodynamic stability) indicates that this missense variant is not expected to disrupt BRIP1 protein function with a negative predictive value of 95%. In summary, the available evidence is currently insufficient to determine the role of this variant in disease. Therefore, it has been classified as a Variant of Uncertain Significance.

Ambry Genetics
Classification: Uncertain significance for Hereditary cancer-predisposing syndrome. Last evaluated: 2025-06-05. Review status: criteria provided, single submitter. Criteria: Ambry Variant Classification Scheme 2023. Collection method: clinical testing. Allele origin: germline.
Comment: The p.N151S variant (also known as c.452A>G), located in coding exon 4 of the BRIP1 gene, results from an A to G substitution at nucleotide position 452. The asparagine at codon 151 is replaced by serine, an amino acid with highly similar properties. This amino acid position is conserved. In addition, this alteration is predicted to be tolerated by in silico analysis. Based on the available evidence, the clinical significance of this variant remains unclear.

NM_032043.3(BRIP1):c.452A>G (p.Asn151Ser)

Gene: BRIP1 (BRCA1 interacting DNA helicase 1; minus strand). Cytogenetic location: 17q23.2.
Variant type: single nucleotide variant.
Coding change: c.452A>G on transcript NM_032043.3 (MANE Select); coding-DNA position 452, A replaced by G.
Protein change: p.Asn151Ser; replaces asparagine 151 with serine.
Molecular consequence: missense variant.
Genome position (GRCh38, 1-based): chr17:61,849,184, T>C on the plus strand (A>G on the coding strand, the complement: BRIP1 is on the minus strand). VCF-style: chr17-61849184-T-C. GRCh37 (hg19) VCF-style: chr17-59926545-T-C.
Other names: short protein forms N151S.
Identifiers: ClinVar variation 461170 (VCV000461170.10), dbSNP rs1555616165, ClinGen allele CA400484464.